The following is an entry in ClinVar:

NM_001035.3(RYR2):c.1399G>A (p.Asp467Asn)

Gene: RYR2 (ryanodine receptor 2; plus strand). Cytogenetic location: 1q43.
Variant type: single nucleotide variant.
Coding change: c.1399G>A on transcript NM_001035.3 (MANE Select); coding-DNA position 1399, G replaced by A.
Protein change: p.Asp467Asn; replaces aspartic acid 467 with asparagine.
Molecular consequence: missense variant.
Genome position (GRCh38, 1-based): chr1:237,454,497, G>A. VCF-style: chr1-237454497-G-A. GRCh37 (hg19) VCF-style: chr1-237617797-G-A.
Other names: short protein forms D467N.
Identifiers: ClinVar variation 4757183 (VCV004757183.1).
Genomic context (GRCh38, chr1:237,454,497, plus strand): 5'-TTGCCTATAGAGTCCGTAAGCCTAAGTCTGCAGGATCTCATTGGCTACTTCCACCCCCCA[G>A]ATGAGCATTTAGAGCATGAAGACAAACAGAACAGACTACGAGCCCTGAAGAATCGGCAAA-3'
Protein context (NP_001026.2, residues 457-477): QDLIGYFHPP[Asp467Asn]EHLEHEDKQN

ClinVar aggregate classification (germline): Uncertain significance (1 of 4 stars; one submission).

Conditions:
Cardiomyopathy (CMYO). Also called: Cardiomyopathies. Identifiers: Orphanet 167848, MedGen C0878544, MONDO:0004994, HP:0001638. Inheritance: Various modes of inheritance.

gnomAD v4.1: 2 of 1,613,520 alleles (0.00012%); highest among the groups gnomAD compares: Non-Finnish European, 0.00017%; no homozygotes.

Submission:

Color Diagnostics, LLC DBA Color Health
Classification: Uncertain significance for Cardiomyopathy. Last evaluated: 2025-06-09. Review status: criteria provided, single submitter. Criteria: ACMG Guidelines, 2015. Collection method: clinical testing. Allele origin: germline.
Comment: This missense variant replaces aspartic acid with asparagine at codon 467 of the RYR2 protein. Computational prediction suggests that this variant may not impact protein structure and function. To our knowledge, functional studies have not been reported for this variant. This variant has not been reported in individuals affected with RYR2-related disorders in the literature. This variant has been identified in 2/248706 chromosomes in the general population by the Genome Aggregation Database (gnomAD). The available evidence is insufficient to determine the role of this variant in disease conclusively. Therefore, this variant is classified as a Variant of Uncertain Significance.